The following is an entry in ClinVar:

NM_014425.5(INVS):c.1186C>T (p.Arg396Ter)

Gene: INVS (inversin; plus strand). Cytogenetic location: 9q31.1.
Variant type: single nucleotide variant.
Coding change: c.1186C>T on transcript NM_014425.5 (MANE Select); coding-DNA position 1186, C replaced by T.
Protein change: p.Arg396Ter; replaces arginine 396 with a stop codon.
Molecular consequence: nonsense. On other transcripts: non-coding transcript variant (1).
Genome position (GRCh38, 1-based): chr9:100,252,390, C>T. VCF-style: chr9-100252390-C-T. GRCh37 (hg19) VCF-style: chr9-103014672-C-T.
Other names: p.Arg396*; c.898C>T, p.Arg300Ter (NM_001318381.2); c.208C>T, p.Arg70Ter (NM_001318382.2); c.1186C>T (NM_014425.4); short protein forms R396*, R300*, R70*.
Identifiers: ClinVar variation 1355469 (VCV001355469.11), dbSNP rs773049314, ClinGen allele CA5158342.

ClinVar aggregate classification (germline): Pathogenic/Likely pathogenic. Review status: criteria provided, multiple submitters, no conflicts (2 of 4 stars). 4 submissions from 4 submitters: Pathogenic (2); Likely pathogenic (1). 1 of the submissions does not count toward it. Last evaluated 2025-07-08.

Conditions:
INVS-related disorder. Also called: INVS-related condition.
Nephronophthisis. Also called: Juvenile Nephronophthisis. Identifiers: Orphanet 655, MedGen C0687120, MONDO:0019005, HP:0000090.
Infantile nephronophthisis (NPHP2). Also called: Nephronophthisis 2, infantile; Nephronophthisis 2. Identifiers: Orphanet 655, Orphanet 93591, MedGen C1865872, MONDO:0011190, OMIM 602088.

Allele frequency attached by ClinVar (database versions not stated): gnomAD 0.00001; gnomAD exomes 0.00001; TOPMed 0.00001; ExAC 0.00002.
gnomAD v4.1: 12 of 1,613,746 alleles (0.00074%); highest among the groups gnomAD compares: Admixed American, 0.0017%; no homozygotes.

Submissions (4):

Labcorp Genetics (formerly Invitae), Labcorp
Classification: Pathogenic for Nephronophthisis. Last evaluated: 2025-07-08. Review status: criteria provided, single submitter. Criteria: Invitae Variant Classification Sherloc (09022015). Collection method: clinical testing. Allele origin: germline.
Comment: This sequence change creates a premature translational stop signal (p.Arg396*) in the INVS gene. It is expected to result in an absent or disrupted protein product. Loss-of-function variants in INVS are known to be pathogenic (PMID: 12872123). This variant is present in population databases (rs773049314, gnomAD 0.004%). This premature translational stop signal has been observed in individual(s) with INVS-related conditions (PMID: 12872123, 21866095). ClinVar contains an entry for this variant (Variation ID: 1355469). For these reasons, this variant has been classified as Pathogenic.

Mayo Clinic Laboratories, Mayo Clinic
Classification: Likely pathogenic. Last evaluated: 2024-12-03. Review status: criteria provided, single submitter. Criteria: ACMG Guidelines, 2015. Collection method: clinical testing. Allele origin: germline. Observed: 1 variant allele.
Comment: PM2_supporting, PVS1

Fulgent Genetics
Classification: Pathogenic for Infantile nephronophthisis. Last evaluated: 2024-02-16. Review status: criteria provided, single submitter. Criteria: ACMG Guidelines, 2015. Collection method: clinical testing. Allele origin: germline.

PreventionGenetics, part of Exact Sciences
Classification: Pathogenic for INVS-related condition. Last evaluated: 2023-12-13. Review status: no assertion criteria provided. Collection method: clinical testing. Allele origin: germline. Not counted in ClinVar's aggregate classification.
Comment: The INVS c.1186C>T variant is predicted to result in premature protein termination (p.Arg396*). This nonsense variant has been reported to cause nephronophthisis type 2 without situs inversus (Otto et al. 2003. PubMed ID: 12872123; Supplementary Table S1, Chaki et al. 2011. PubMed ID: 21866095). This variant is reported in 0.0040% of alleles in individuals of African descent in gnomAD. Nonsense variants in INVS are expected to be pathogenic. This variant is interpreted as pathogenic.

Literature cited by the submitters: PubMed 12872123 (cited by Labcorp Genetics (formerly Invitae), Labcorp and Mayo Clinic Laboratories, Mayo Clinic); PubMed 21866095 (cited by Labcorp Genetics (formerly Invitae), Labcorp and Mayo Clinic Laboratories, Mayo Clinic); PubMed 19177160 (cited by Mayo Clinic Laboratories, Mayo Clinic); PubMed 34750413 (cited by Mayo Clinic Laboratories, Mayo Clinic); PubMed 37230223 (cited by Mayo Clinic Laboratories, Mayo Clinic).